The following is an entry in ClinVar:

NM_001244008.2(KIF1A):c.3290T>C (p.Leu1097Pro)

Gene: KIF1A (kinesin family member 1A; minus strand). Cytogenetic location: 2q37.3.
Variant type: single nucleotide variant.
Coding change: c.3290T>C on transcript NM_001244008.2 (MANE Select); coding-DNA position 3290, T replaced by C.
Protein change: p.Leu1097Pro; replaces leucine 1097 with proline.
Molecular consequence: missense variant.
Genome position (GRCh38, 1-based): chr2:240,745,822, A>G on the plus strand (T>C on the coding strand, the complement: KIF1A is on the minus strand). VCF-style: chr2-240745822-A-G. GRCh37 (hg19) VCF-style: chr2-241685239-A-G.
Other names: c.2984T>C, p.Leu995Pro (NM_001379640.1); c.2987T>C, p.Leu996Pro (NM_001379641.1, NM_001379649.1, NM_001379650.1 and 5 more transcripts); c.3263T>C, p.Leu1088Pro (NM_001379642.1, NM_001379645.1, NM_001379633.1); c.3089T>C, p.Leu1030Pro (NM_001379646.1, NM_001330290.2, NM_001379634.1 and 1 more transcripts); c.3062T>C, p.Leu1021Pro (NM_001379648.1, NM_001379637.1); c.3014T>C, p.Leu1005Pro (NM_001320705.2, NM_001330289.2, NM_001379638.1); c.3365T>C, p.Leu1122Pro (NM_001379631.1); c.3239T>C, p.Leu1080Pro (NM_001379632.1); short protein forms L1088P, L1030P, L1097P, L995P, L996P, L1005P, L1021P, L1080P.
Identifiers: ClinVar variation 4791912 (VCV004791912.1).

ClinVar aggregate classification (germline): Uncertain significance (1 of 4 stars; one submission).

Conditions:
Neuropathy, hereditary sensory, type 2C. Also called: KIF1A-Related HSAN2 (HSAN2C); Hereditary sensory and autonomic neuropathy type IIC. Identifiers: Orphanet 970, MedGen C3280168, MONDO:0013634, OMIM 614213.
Hereditary spastic paraplegia 30. Identifiers: Orphanet 101010, MedGen C5235139, MONDO:0012476.
Intellectual disability, autosomal dominant 9 (NESCAVS). Also called: KIF1A-Related Neurodevelopmental Disorder; NESCAV SYNDROME. Identifiers: Orphanet 662367, MedGen C5393830, MONDO:0013656, OMIM 614255.

gnomAD v4.1: 1 of 1,612,950 alleles (0.000062%); highest among the groups gnomAD compares: Non-Finnish European, 0.000085%; no homozygotes.

Submission:

Labcorp Genetics (formerly Invitae), Labcorp
Classification: Uncertain significance for Hereditary spastic paraplegia 30; Neuropathy, hereditary sensory, type 2C; Intellectual disability, autosomal dominant 9. Last evaluated: 2025-06-01. Review status: criteria provided, single submitter. Criteria: Invitae Variant Classification Sherloc (09022015). Collection method: clinical testing. Allele origin: germline.
Comment: This sequence change replaces leucine, which is neutral and non-polar, with proline, which is neutral and non-polar, at codon 996 of the KIF1A protein (p.Leu996Pro). This variant is not present in population databases (gnomAD no frequency). This variant has not been reported in the literature in individuals affected with KIF1A-related conditions. Invitae Evidence Modeling of protein sequence and biophysical properties (such as structural, functional, and spatial information, amino acid conservation, physicochemical variation, residue mobility, and thermodynamic stability) indicates that this missense variant is not expected to disrupt KIF1A protein function with a negative predictive value of 95%. In summary, the available evidence is currently insufficient to determine the role of this variant in disease. Therefore, it has been classified as a Variant of Uncertain Significance.